The following is an entry in ClinVar:

ClinVar aggregate classification (germline): Conflicting classifications of pathogenicity. Review status: criteria provided, conflicting classifications (1 of 4 stars). 5 submissions from 5 submitters: Uncertain significance (1); Likely benign (3). 1 of the submissions does not count toward it. Last evaluated 2025-12-29.

Conditions:
Hereditary cancer-predisposing syndrome. Also called: Neoplastic Syndromes, Hereditary; Tumor predisposition; Hereditary Cancer Syndrome; Hereditary neoplastic syndrome. Identifiers: Orphanet 140162, MedGen C0027672, MeSH D009386, MONDO:0015356.
PTCH1-related disorder. Also called: PTCH1-related disorders; PTCH1-related condition.

Submissions (5):

Center for Genomic Medicine, Rigshospitalet, Copenhagen University Hospital
Classification: Uncertain significance. Last evaluated: 2025-12-29. Review status: criteria provided, single submitter. Criteria: ACMG Guidelines, 2015. Collection method: clinical testing. Allele origin: germline.

PreventionGenetics, part of Exact Sciences
Classification: Likely benign for PTCH1-related condition. Last evaluated: 2025-06-02. Review status: criteria provided, single submitter. Criteria: ACMG Guidelines, 2015. Collection method: clinical testing. Allele origin: germline.
Comment: This variant is classified as likely benign based on ACMG/AMP sequence variant interpretation guidelines (Richards et al. 2015 PMID: 25741868, with internal and published modifications).

Blueprint Genetics
Classification: Likely benign. Last evaluated: 2024-11-05. Review status: criteria provided, single submitter. Criteria: ACMG Guidelines, 2015. Collection method: clinical testing. Allele origin: germline.

Sema4
Classification: Likely benign for Hereditary cancer-predisposing syndrome. Last evaluated: 2021-10-29. Review status: criteria provided, single submitter. Criteria: Sema4 Curation Guidelines. Collection method: curation. Allele origin: germline.

Department of Pathology and Laboratory Medicine, Sinai Health System
Classification: Uncertain significance. Review status: no assertion criteria provided. Collection method: clinical testing. Allele origin: unknown. Affected: yes. Study: The Canadian Open Genetics Repository (COGR). Not counted in ClinVar's aggregate classification.
Comment: The PTCH1 p.Glu48del variant was not identified in the literature nor was it identified in ClinVar, Cosmic or LOVD 3.0. The variant was identified in dbSNP (ID: rs768455107) and in control databases in 60 of 262336 chromosomes at a frequency of 0.0002287 (Genome Aggregation Database March 6, 2019, v2.1.1). The variant was observed in the following populations: Latino in 15 of 34168 chromosomes (freq: 0.000439), African in 9 of 22464 chromosomes (freq: 0.000401), European (non-Finnish) in 24 of 116058 chromosomes (freq: 0.000207), South Asian in 5 of 30056 chromosomes (freq: 0.000166), European (Finnish) in 4 of 24886 chromosomes (freq: 0.000161), Other in 1 of 6512 chromosomes (freq: 0.000154) and East Asian in 2 of 18398 chromosomes (freq: 0.000109), but was not observed in the Ashkenazi Jewish population. This variant is an in-frame deletion resulting in the removal of a glutamic acid (glu) residue at codon 48; the impact of this alteration on PTCH1 protein function is not known. The variant occurs outside of the splicing consensus sequence and in silico or computational prediction software programs (SpliceSiteFinder, MaxEntScan, NNSPLICE, GeneSplicer) do not predict a difference in splicing. In summary, based on the above information the clinical significance of this variant cannot be determined with certainty at this time. This variant is classified as a variant of uncertain significance.

Literature cited by the submitters: PubMed 30610106 (cited by Sema4).

NM_001083603.3(PTCH1):c.130GAA[4] (p.Glu48del)

Gene: PTCH1 (patched 1; minus strand). Cytogenetic location: 9q22.32.
Variant type: Microsatellite.
Coding change: c.130GAA[4] on transcript NM_001083603.3 (MANE Plus Clinical); four copies in a row of the 3-base unit GAA starting at c.130; the reference has five copies in a row; one copy, 3 bases deleted.
Protein change: p.Glu48del; deletes glutamic acid 48.
Molecular consequence: inframe deletion. On other transcripts: 5 prime UTR variant (2).
Genome position (GRCh38, 1-based): chr9:95,516,677-95,516,679, TTC deleted on the plus strand (GAA on the coding strand, the reverse complement: PTCH1 is on the minus strand); deleting any 3 consecutive bases within chr9:95,516,677-95,516,692 gives the same sequence; the position shown is the placement nearest the transcript's 3' end. VCF-style (leftmost placement, unchanged base first): chr9-95516676-TTTC-T. GRCh37 (hg19) VCF-style: chr9-98278958-TTTC-T.
Other names: c.142_144delGAA (NM_001083603.3); c.-220GAA[4] (NM_001354919.2, NM_001083602.3); short protein forms E48del.
Identifiers: ClinVar variation 1050637 (VCV001050637.5), dbSNP rs112914470, ClinGen allele CA5139099.
Genomic context (GRCh38, chr9:95,516,676, plus strand): 5'-CCCTTGCCTTGTCGCTGCGGGTCTCTTTGTCTCCCCTGTCGTCTTTTTCTTCTCCTCCGT[TTTC>T]TTCTTCTTCTTCTCCTCCTCCTCCGTCTTTACAAAAGGAACGGAAAGTGTAAAAACCCCG-3'